The following is an entry in ClinVar:

ClinVar aggregate classification (germline): Conflicting classifications of pathogenicity. Review status: criteria provided, conflicting classifications (1 of 4 stars). 3 submissions from 3 submitters: Uncertain significance (2); Likely benign (1). Last evaluated 2025-12-29.

Conditions:
Hereditary cancer-predisposing syndrome. Also called: Tumor predisposition; Hereditary Cancer Syndrome; Hereditary neoplastic syndrome; Neoplastic Syndromes, Hereditary. Identifiers: Orphanet 140162, MedGen C0027672, MeSH D009386, MONDO:0015356.
Familial melanoma. Also called: Hereditary melanoma; Hereditary cutaneous melanoma. Identifiers: Orphanet 618, MedGen C1512419, MONDO:0018961.

gnomAD v4.1: 1 of 1,614,150 alleles (0.000062%); highest among the groups gnomAD compares: Non-Finnish European, 0.000085%; no homozygotes.

Submissions (3):

Ambry Genetics
Classification: Uncertain significance for Hereditary cancer-predisposing syndrome. Last evaluated: 2025-12-29. Review status: criteria provided, single submitter. Criteria: Ambry Variant Classification Scheme 2023. Collection method: clinical testing. Allele origin: germline.
Comment: The c.519C>G variant (also known as p.P173P), located in coding exon 3 of the CDK4 gene, results from a C to G substitution at nucleotide position 519. This nucleotide substitution does not change the amino acid at codon 173. This nucleotide position is poorly conserved in available vertebrate species. In silico splice site analysis predicts that this alteration may result in the creation or strengthening of a novel splice donor site. Based on the available evidence, the clinical significance of this variant remains unclear.

Labcorp Genetics (formerly Invitae), Labcorp
Classification: Uncertain significance for Familial melanoma. Last evaluated: 2025-05-13. Review status: criteria provided, single submitter. Criteria: Invitae Variant Classification Sherloc (09022015). Collection method: clinical testing. Allele origin: germline.
Comment: This sequence change affects codon 173 of the CDK4 mRNA. It is a 'silent' change, meaning that it does not change the encoded amino acid sequence of the CDK4 protein. This variant is not present in population databases (gnomAD no frequency). This variant has not been reported in the literature in individuals affected with CDK4-related conditions. ClinVar contains an entry for this variant (Variation ID: 1692135). Algorithms developed to predict the effect of sequence changes on RNA splicing suggest that this variant may create or strengthen a splice site. In summary, the available evidence is currently insufficient to determine the role of this variant in disease. Therefore, it has been classified as a Variant of Uncertain Significance.

Sema4
Classification: Likely benign for Hereditary cancer-predisposing syndrome. Last evaluated: 2021-04-21. Review status: criteria provided, single submitter. Criteria: Sema4 Curation Guidelines. Collection method: curation. Allele origin: germline.

NM_000075.4(CDK4):c.519C>G (p.Pro173=)

Gene: CDK4 (cyclin dependent kinase 4; minus strand). Cytogenetic location: 12q14.1.
Variant type: single nucleotide variant.
Coding change: c.519C>G on transcript NM_000075.4 (MANE Select); coding-DNA position 519, C replaced by G.
Protein change: p.Pro173=; no amino-acid change (proline 173 retained).
Molecular consequence: synonymous variant.
Genome position (GRCh38, 1-based): chr12:57,750,926, G>C on the plus strand (C>G on the coding strand, the complement: CDK4 is on the minus strand). VCF-style: chr12-57750926-G-C. GRCh37 (hg19) VCF-style: chr12-58144709-G-C.
Other names: c.519C>G (NM_000075.3).
Identifiers: ClinVar variation 1692135 (VCV001692135.7), dbSNP rs747084709, ClinGen allele CA480404353.
Genomic context (GRCh38, chr12:57,750,926, plus strand): 5'-GGCAATCACTCTCCTACTCCCAACCAGAACCCATTTTGGTACCATCTTTCTACTGACCAC[G>C]GGTGTAAGTGCCATCTGGTAGCTGTAGATTCTGGCCAGGCCAAAGTCAGCCAGCTTGACT-3'
Protein context (NP_000066.1, residues 163-183): RIYSYQMALT[Pro173=]VVVTLWYRAP